The following is an entry in ClinVar:

ClinVar aggregate classification (germline): Uncertain significance (1 of 4 stars; one submission).

Submission:

GeneDx
Classification: Uncertain significance. Last evaluated: 2023-06-04. Review status: criteria provided, single submitter. Criteria: GeneDx Variant Classification Process June 2021. Collection method: clinical testing. Allele origin: germline. Affected: yes.
Comment: Not observed at significant frequency in large population cohorts (gnomAD); In silico analysis supports that this missense variant has a deleterious effect on protein structure/function; Has not been previously published as pathogenic or benign to our knowledge

NM_201599.3(ZMYM3):c.2684C>T (p.Pro895Leu)

Gene: ZMYM3 (zinc finger MYM-type containing 3; minus strand). Cytogenetic location: Xq13.1.
Variant type: single nucleotide variant.
Coding change: c.2684C>T on transcript NM_201599.3 (MANE Select); coding-DNA position 2684, C replaced by T.
Protein change: p.Pro895Leu; replaces proline 895 with leucine.
Molecular consequence: missense variant.
Genome position (GRCh38, 1-based): chrX:71,245,987, G>A on the plus strand (C>T on the coding strand, the complement: ZMYM3 is on the minus strand). VCF-style: chrX-71245987-G-A. GRCh37 (hg19) VCF-style: chrX-70465837-G-A.
Other names: c.2648C>T, p.Pro883Leu (NM_001171162.1); c.2684C>T, p.Pro895Leu (NM_005096.3); short protein forms P883L, P895L.
Identifiers: ClinVar variation 3362033 (VCV003362033.1).